The following is an entry in ClinVar:

ClinVar aggregate classification (germline): Uncertain significance (1 of 4 stars; one submission).

Submission:

Labcorp Genetics (formerly Invitae), Labcorp
Classification: Uncertain significance. Last evaluated: 2025-12-11. Review status: criteria provided, single submitter. Criteria: Invitae Variant Classification Sherloc (09022015). Collection method: clinical testing. Allele origin: germline.
Comment: This sequence change replaces lysine, which is basic and polar, with arginine, which is basic and polar, at codon 1419 of the SETBP1 protein (p.Lys1419Arg). This variant is not present in population databases (gnomAD no frequency). This variant has not been reported in the literature in individuals affected with SETBP1-related conditions. Invitae Evidence Modeling of protein sequence and biophysical properties (such as structural, functional, and spatial information, amino acid conservation, physicochemical variation, residue mobility, and thermodynamic stability) has been performed for this missense variant. However, the output from this modeling did not meet the statistical confidence thresholds required to predict the impact of this variant on SETBP1 protein function. In summary, the available evidence is currently insufficient to determine the role of this variant in disease. Therefore, it has been classified as a Variant of Uncertain Significance.

NM_015559.3(SETBP1):c.4256A>G (p.Lys1419Arg)

Gene: SETBP1 (SET binding protein 1; plus strand). Cytogenetic location: 18q12.3.
Variant type: single nucleotide variant.
Coding change: c.4256A>G on transcript NM_015559.3 (MANE Select); coding-DNA position 4256, A replaced by G.
Protein change: p.Lys1419Arg; replaces lysine 1419 with arginine.
Molecular consequence: missense variant.
Genome position (GRCh38, 1-based): chr18:45,063,163, A>G. VCF-style: chr18-45063163-A-G. GRCh37 (hg19) VCF-style: chr18-42643128-A-G.
Other names: c.4256A>G, p.Lys1419Arg (NM_001379141.1, NM_001379142.1); c.4085A>G, p.Lys1362Arg (NM_001410862.1); short protein forms K1362R, K1419R.
Identifiers: ClinVar variation 4744173 (VCV004744173.1).